The following is an entry in ClinVar:

NM_000136.3(FANCC):c.1502G>T (p.Gly501Val)

Genes: AOPEP (aminopeptidase O (putative); plus strand), FANCC (FA complementation group C; minus strand). Cytogenetic location: 9q22.32.
Variant type: single nucleotide variant.
Coding change: c.1502G>T on transcript NM_000136.3 (MANE Select); coding-DNA position 1502, G replaced by T.
Protein change: p.Gly501Val; replaces glycine 501 with valine.
Molecular consequence: missense variant.
Genome position (GRCh38, 1-based): chr9:95,107,097, C>A on the plus strand (G>T on the coding strand, the complement: FANCC is on the minus strand). VCF-style: chr9-95107097-C-A. GRCh37 (hg19) VCF-style: chr9-97869379-C-A.
Other names: c.1502G>T, p.Gly501Val (NM_001243743.2); short protein forms G501V.
Identifiers: ClinVar variation 1314116 (VCV001314116.7), dbSNP rs536599109, ClinGen allele CA374105580.

ClinVar aggregate classification (germline): Uncertain significance. Review status: criteria provided, multiple submitters, no conflicts (2 of 4 stars). 2 submissions from 2 submitters: Uncertain significance (2). Last evaluated 2024-03-05.

Conditions:
Fanconi anemia (FA). Also called: Fanconi's anemia. Identifiers: Orphanet 84, MedGen C0015625, MeSH D005199, MONDO:0019391.

Submissions (2):

GeneDx
Classification: Uncertain significance. Last evaluated: 2024-03-05. Review status: criteria provided, single submitter. Criteria: GeneDx Variant Classification Process June 2021. Collection method: clinical testing. Allele origin: germline. Affected: yes.
Comment: Not observed at significant frequency in large population cohorts (gnomAD); In silico analysis supports that this missense variant has a deleterious effect on protein structure/function; Has not been previously published as pathogenic or benign to our knowledge

Labcorp Genetics (formerly Invitae), Labcorp
Classification: Uncertain significance for Fanconi anemia. Last evaluated: 2022-05-09. Review status: criteria provided, single submitter. Criteria: Invitae Variant Classification Sherloc (09022015). Collection method: clinical testing. Allele origin: germline.
Comment: Algorithms developed to predict the effect of missense changes on protein structure and function are either unavailable or do not agree on the potential impact of this missense change (SIFT: "Tolerated"; PolyPhen-2: "Probably Damaging"; Align-GVGD: "Class C0"). In summary, the available evidence is currently insufficient to determine the role of this variant in disease. Therefore, it has been classified as a Variant of Uncertain Significance. ClinVar contains an entry for this variant (Variation ID: 1314116). This variant has not been reported in the literature in individuals affected with FANCC-related conditions. This variant is not present in population databases (gnomAD no frequency). This sequence change replaces glycine, which is neutral and non-polar, with valine, which is neutral and non-polar, at codon 501 of the FANCC protein (p.Gly501Val).